The following is an entry in ClinVar:

NM_006269.2(RP1):c.6101T>C (p.Met2034Thr)

Gene: RP1 (RP1 axonemal microtubule associated; plus strand). Cytogenetic location: 8q12.1.
Variant type: single nucleotide variant.
Coding change: c.6101T>C on transcript NM_006269.2 (MANE Select); coding-DNA position 6101, T replaced by C.
Protein change: p.Met2034Thr; replaces methionine 2034 with threonine.
Molecular consequence: missense variant. On other transcripts: intron variant (1).
Genome position (GRCh38, 1-based): chr8:54,629,983, T>C. VCF-style: chr8-54629983-T-C. GRCh37 (hg19) VCF-style: chr8-55542543-T-C.
Other names: c.787+7695T>C (NM_001375654.1); short protein forms M2034T.
Identifiers: ClinVar variation 964130 (VCV000964130.9), dbSNP rs1806206218, ClinGen allele CA370990502.

ClinVar aggregate classification (germline): Uncertain significance (1 of 4 stars; one submission).

gnomAD v4.1: 1 of 1,614,054 alleles (0.000062%); highest among the groups gnomAD compares: Non-Finnish European, 0.000085%; no homozygotes.

Submission:

Labcorp Genetics (formerly Invitae), Labcorp
Classification: Uncertain significance. Last evaluated: 2022-07-11. Review status: criteria provided, single submitter. Criteria: Invitae Variant Classification Sherloc (09022015). Collection method: clinical testing. Allele origin: germline.
Comment: Algorithms developed to predict the effect of missense changes on protein structure and function (SIFT, PolyPhen-2, Align-GVGD) all suggest that this variant is likely to be tolerated. In summary, the available evidence is currently insufficient to determine the role of this variant in disease. Therefore, it has been classified as a Variant of Uncertain Significance. ClinVar contains an entry for this variant (Variation ID: 964130). This variant has not been reported in the literature in individuals affected with RP1-related conditions. This variant is not present in population databases (gnomAD no frequency). This sequence change replaces methionine, which is neutral and non-polar, with threonine, which is neutral and polar, at codon 2034 of the RP1 protein (p.Met2034Thr).